The following is an entry in ClinVar:

ClinVar aggregate classification (germline): Benign. Review status: criteria provided, multiple submitters, no conflicts (2 of 4 stars). 6 submissions from 6 submitters: Benign (6). Last evaluated 2026-02-02.

Conditions:
Anterior segment dysgenesis 7 (ASGD7). Also called: Anterior segment dysgenesis 7, with sclerocornea; SCLEROCORNEA WITH OTHER OCULAR ANOMALIES. Identifiers: Orphanet 289499, MedGen C3151617, MONDO:0010015, OMIM 269400.

Allele frequency attached by ClinVar (database versions not stated): 1000 Genomes Project 30x 0.23844; TOPMed 0.24121; 1000 Genomes Project 0.24481; ESP Exome Variant Server 0.25024; gnomAD 0.25189; gnomAD exomes 0.27767.
gnomAD v4.1: 459,917 of 1,601,446 alleles (29%); highest among the groups gnomAD compares: Middle Eastern, 33%; 67,217 homozygotes.

Submissions (6):

Labcorp Genetics (formerly Invitae), Labcorp
Classification: Benign for Anterior segment dysgenesis 7. Last evaluated: 2026-02-02. Review status: criteria provided, single submitter. Criteria: Invitae Variant Classification Sherloc (09022015). Collection method: clinical testing. Allele origin: germline.

Blueprint Genetics
Classification: Benign. Last evaluated: 2024-11-26. Review status: criteria provided, single submitter. Criteria: ACMG Guidelines, 2015. Collection method: clinical testing. Allele origin: germline.

Genome-Nilou Lab
Classification: Benign for Anterior segment dysgenesis 7. Last evaluated: 2021-07-14. Review status: criteria provided, single submitter. Criteria: ACMG Guidelines, 2015. Collection method: clinical testing. Allele origin: germline. Affected: no.

GeneDx
Classification: Benign. Last evaluated: 2018-05-01. Review status: criteria provided, single submitter. Criteria: GeneDx Variant Classification (06012015). Collection method: clinical testing. Allele origin: germline. Affected: yes.
Comment: This variant is considered likely benign or benign based on one or more of the following criteria: it is a conservative change, it occurs at a poorly conserved position in the protein, it is predicted to be benign by multiple in silico algorithms, and/or has population frequency not consistent with disease.

Breakthrough Genomics
Classification: Benign. Review status: criteria provided, single submitter. Criteria: ACMG Guidelines, 2015. Collection method: not provided. Allele origin: germline. Inheritance: Autosomal recessive inheritance. Affected: yes.

PreventionGenetics, part of Exact Sciences
Classification: Benign. Review status: criteria provided, single submitter. Criteria: ACMG Guidelines, 2015. Collection method: clinical testing. Allele origin: germline.

NM_012293.3(PXDN):c.2892C>T (p.Asn964=)

Gene: PXDN (peroxidasin; minus strand). Cytogenetic location: 2p25.3.
Variant type: single nucleotide variant.
Coding change: c.2892C>T on transcript NM_012293.3 (MANE Select); coding-DNA position 2892, C replaced by T.
Protein change: p.Asn964=; no amino-acid change (asparagine 964 retained).
Molecular consequence: synonymous variant.
Genome position (GRCh38, 1-based): chr2:1,648,888, G>A on the plus strand (C>T on the coding strand, the complement: PXDN is on the minus strand). VCF-style: chr2-1648888-G-A. GRCh37 (hg19) VCF-style: chr2-1652660-G-A.
Identifiers: ClinVar variation 260224 (VCV000260224.16), dbSNP rs3811613, ClinGen allele CA1512860.
Genomic context (GRCh38, chr2:1,648,888, plus strand): 5'-CAGGCCCAGCTGCTCGTTGGCGCGGTGGTCCCCGGCCAGGAAGCAGGGGATGGGGCTCTC[G>A]TTCTCGTCCCGCATGCACTCCGTGGGCGGCCCGGTGGCGAAGGGGAGCAGCGGCTTCCCG-3'
Protein context (NP_036425.1, residues 954-974): GPPTECMRDE[Asn964=]ESPIPCFLAG